The following is an entry in ClinVar:

ClinVar aggregate classification (germline): Uncertain significance. Review status: criteria provided, multiple submitters, no conflicts (2 of 4 stars). 2 submissions from 2 submitters: Uncertain significance (2). Last evaluated 2025-10-02.

Conditions:
Cardiovascular phenotype. Identifiers: MedGen CN230736.
Dilated cardiomyopathy 1KK (CMD1KK). Identifiers: Orphanet 154, Orphanet 75249, MedGen C3714995, MONDO:0014100, OMIM 615248.

Allele frequency attached by ClinVar (database versions not stated): gnomAD 0.00001 and 0.00002; TOPMed 0.00001; gnomAD exomes 0.00002 and 0.00004; ExAC 0.00005.
gnomAD v4.1: 32 of 1,613,980 alleles (0.002%); highest among the groups gnomAD compares: South Asian, 0.03%; no homozygotes.

Submissions (2):

Labcorp Genetics (formerly Invitae), Labcorp
Classification: Uncertain significance for Dilated cardiomyopathy 1KK. Last evaluated: 2025-10-02. Review status: criteria provided, single submitter. Criteria: Invitae Variant Classification Sherloc (09022015). Collection method: clinical testing. Allele origin: germline.
Comment: This sequence change replaces proline, which is neutral and non-polar, with leucine, which is neutral and non-polar, at codon 868 of the MYPN protein (p.Pro868Leu). This variant is present in population databases (rs533835950, gnomAD 0.03%). This variant has not been reported in the literature in individuals affected with MYPN-related conditions. ClinVar contains an entry for this variant (Variation ID: 848564). An algorithm developed to predict the effect of missense changes on protein structure and function (PolyPhen-2) suggests that this variant is likely to be tolerated. In summary, the available evidence is currently insufficient to determine the role of this variant in disease. Therefore, it has been classified as a Variant of Uncertain Significance.

Ambry Genetics
Classification: Uncertain significance for Cardiovascular phenotype. Last evaluated: 2024-07-02. Review status: criteria provided, single submitter. Criteria: Ambry Variant Classification Scheme 2023. Collection method: clinical testing. Allele origin: germline.

NM_032578.4(MYPN):c.2603C>T (p.Pro868Leu)

Gene: MYPN (myopalladin; plus strand). Cytogenetic location: 10q21.3.
Variant type: single nucleotide variant.
Coding change: c.2603C>T on transcript NM_032578.4 (MANE Select); coding-DNA position 2603, C replaced by T.
Protein change: p.Pro868Leu; replaces proline 868 with leucine.
Molecular consequence: missense variant. On other transcripts: non-coding transcript variant (1).
Genome position (GRCh38, 1-based): chr10:68,175,361, C>T. VCF-style: chr10-68175361-C-T. GRCh37 (hg19) VCF-style: chr10-69935118-C-T.
Other names: c.2603C>T, p.Pro868Leu (NM_001256267.2); c.1721C>T, p.Pro574Leu (NM_001256268.2); c.2603C>T (NM_032578.2); short protein forms P574L, P868L.
Identifiers: ClinVar variation 848564 (VCV000848564.10), dbSNP rs533835950, ClinGen allele CA5522829.
Genomic context (GRCh38, chr10:68,175,361, plus strand): 5'-CAGGTGTGGATTTATCTTACAGGCCATCCCAGGGATTAGCGAAGAAAAATACAAAGTCTC[C>T]TCAACCAGTGAATGATGATAACATTCGTGAAACTAAGAACGCAGTGATTCGAGACTTGGG-3'
Protein context (NP_115967.2, residues 858-878): QGLAKKNTKS[Pro868Leu]QPVNDDNIRE